The following is an entry in ClinVar:

NM_139276.3(STAT3):c.1943T>A (p.Met648Lys)

Gene: STAT3 (signal transducer and activator of transcription 3; minus strand). Cytogenetic location: 17q21.2.
Variant type: single nucleotide variant.
Coding change: c.1943T>A on transcript NM_139276.3 (MANE Select); coding-DNA position 1943, T replaced by A.
Protein change: p.Met648Lys; replaces methionine 648 with lysine.
Molecular consequence: missense variant.
Genome position (GRCh38, 1-based): chr17:42,322,440, A>T on the plus strand (T>A on the coding strand, the complement: STAT3 is on the minus strand). VCF-style: chr17-42322440-A-T. GRCh37 (hg19) VCF-style: chr17-40474458-A-T.
Other names: c.1943T>A, p.Met648Lys (NM_001369512.1, NM_001369513.1, NM_001369514.1 and 9 more transcripts); c.1859T>A, p.Met620Lys (NM_001384984.1); c.1865T>A, p.Met622Lys (NM_001384985.1); c.1958T>A, p.Met653Lys (NM_001384986.1, NM_001384990.1); c.1922T>A, p.Met641Lys (NM_001384987.1); c.1847T>A, p.Met616Lys (NM_001384989.1); c.1916T>A, p.Met639Lys (NM_001384991.1); c.1883T>A, p.Met628Lys (NM_001384992.1); short protein forms M648K, M616K, M620K, M622K, M628K, M639K, M641K, M653K.
Identifiers: ClinVar variation 424347 (VCV000424347.2), dbSNP rs1064796922, ClinGen allele CA16620410.

ClinVar aggregate classification (germline): Likely pathogenic (1 of 4 stars; one submission).

Submission:

GeneDx
Classification: Likely pathogenic. Last evaluated: 2017-03-17. Review status: criteria provided, single submitter. Criteria: GeneDx Variant Classification (06012015). Collection method: clinical testing. Allele origin: germline. Affected: yes.
Comment: The M648K variant has not been published as a pathogenic variant, nor has it been reported as a benign variant to our knowledge. The variant is not observed in large population cohorts (Lek et al., 2016; 1000 Genomes Consortium et al., 2015; Exome Variant Server). M648K is a non-conservative amino acid substitution, which is likely to impact secondary protein structure as these residues differ in polarity, charge, size and/or other properties. This substitution occurs at a position within the critical SH2 domain that is conserved across species; the SH2 domain mediates dimerization and activation of the STAT3 protein and is a hotspot for variants (Chandesris et al., 2012). In silico analysis predicts this variant is probably damaging to the protein structure/function. In summary, this variant is likely pathogenic; however, the possibility that it is benign cannot be excluded.